The following is an entry in ClinVar:

NM_020812.4(DOCK6):c.125C>A (p.Ser42Tyr)

Gene: DOCK6 (dedicator of cytokinesis 6; minus strand). Cytogenetic location: 19p13.2.
Variant type: single nucleotide variant.
Coding change: c.125C>A on transcript NM_020812.4 (MANE Select); coding-DNA position 125, C replaced by A.
Protein change: p.Ser42Tyr; replaces serine 42 with tyrosine.
Molecular consequence: missense variant.
Genome position (GRCh38, 1-based): chr19:11,253,646, G>T on the plus strand (C>A on the coding strand, the complement: DOCK6 is on the minus strand). VCF-style: chr19-11253646-G-T. GRCh37 (hg19) VCF-style: chr19-11364322-G-T.
Other names: c.125C>A, p.Ser42Tyr (NM_001367830.1); short protein forms S42Y.
Identifiers: ClinVar variation 1940479 (VCV001940479.5), dbSNP rs2513214184, ClinGen allele CA404118869.

ClinVar aggregate classification (germline): Uncertain significance (1 of 4 stars; one submission).

Submission:

Labcorp Genetics (formerly Invitae), Labcorp
Classification: Uncertain significance. Last evaluated: 2022-06-01. Review status: criteria provided, single submitter. Criteria: Invitae Variant Classification Sherloc (09022015). Collection method: clinical testing. Allele origin: germline.
Comment: This sequence change replaces serine, which is neutral and polar, with tyrosine, which is neutral and polar, at codon 42 of the DOCK6 protein (p.Ser42Tyr). This variant is not present in population databases (gnomAD no frequency). This variant has not been reported in the literature in individuals affected with DOCK6-related conditions. Algorithms developed to predict the effect of missense changes on protein structure and function (SIFT, PolyPhen-2, Align-GVGD) all suggest that this variant is likely to be tolerated. In summary, the available evidence is currently insufficient to determine the role of this variant in disease. Therefore, it has been classified as a Variant of Uncertain Significance.